The following is an entry in ClinVar:

NM_001375524.1(TRRAP):c.10475T>C (p.Val3492Ala)

Gene: TRRAP (transformation/transcription domain associated protein; plus strand). Cytogenetic location: 7q22.1.
Variant type: single nucleotide variant.
Coding change: c.10475T>C on transcript NM_001375524.1 (MANE Select); coding-DNA position 10475, T replaced by C.
Protein change: p.Val3492Ala; replaces valine 3492 with alanine.
Molecular consequence: missense variant.
Genome position (GRCh38, 1-based): chr7:99,004,355, T>C. VCF-style: chr7-99004355-T-C. GRCh37 (hg19) VCF-style: chr7-98601978-T-C.
Other names: c.10433T>C, p.Val3478Ala (NM_001244580.2); c.10346T>C, p.Val3449Ala (NM_003496.4); short protein forms V3449A, V3478A, V3492A.
Identifiers: ClinVar variation 3346530 (VCV003346530.1).

ClinVar aggregate classification (germline): Uncertain significance (0 of 4 stars; one submission).

Conditions:
TRRAP-related disorder. Also called: TRRAP-related condition.

Submission:

PreventionGenetics, part of Exact Sciences
Classification: Uncertain significance for TRRAP-related condition. Last evaluated: 2024-08-05. Review status: no assertion criteria provided. Collection method: clinical testing. Allele origin: germline.
Comment: The TRRAP c.10346T>C variant is predicted to result in the amino acid substitution p.Val3449Ala. To our knowledge, this variant has not been reported in the literature or in a large population database, indicating this variant is rare. At this time, the clinical significance of this variant is uncertain due to the absence of conclusive functional and genetic evidence.